The following is an entry in ClinVar:

ClinVar aggregate classification (germline): Uncertain significance. Review status: criteria provided, single submitter (1 of 4 stars). 2 submissions from 2 submitters: Uncertain significance (1). 1 of the submissions does not count toward it. Last evaluated 2024-06-02.

Conditions:
Amyotrophic lateral sclerosis type 4 (ALS4). Also called: NEURONOPATHY, DISTAL HEREDITARY MOTOR, WITH PYRAMIDAL FEATURES; AMYOTROPHIC LATERAL SCLEROSIS 4, JUVENILE. Identifiers: Orphanet 357043, MedGen C1865409, MONDO:0011223, OMIM 602433.
Spinocerebellar ataxia, autosomal recessive, with axonal neuropathy 2 (SCAN2). Also called: ATAXIA-OCULOMOTOR APRAXIA 2; Ataxia with Oculomotor Apraxia; Ataxia with Oculomotor Apraxia Type 2; Ataxia-ocular apraxia-2. Identifiers: Orphanet 64753, MedGen C1853761, MONDO:0018996, OMIM 606002.
SETX-related disorder. Also called: SETX-related condition; SETX-related disorders. Identifiers: MedGen CN239403.

Submissions (2):

Labcorp Genetics (formerly Invitae), Labcorp
Classification: Uncertain significance for Amyotrophic lateral sclerosis type 4; Spinocerebellar ataxia, autosomal recessive, with axonal neuropathy 2. Last evaluated: 2024-06-02. Review status: criteria provided, single submitter. Criteria: Invitae Variant Classification Sherloc (09022015). Collection method: clinical testing. Allele origin: germline.
Comment: This sequence change replaces serine, which is neutral and polar, with isoleucine, which is neutral and non-polar, at codon 708 of the SETX protein (p.Ser708Ile). This variant is not present in population databases (gnomAD no frequency). This variant has not been reported in the literature in individuals affected with SETX-related conditions. ClinVar contains an entry for this variant (Variation ID: 536385). Advanced modeling of protein sequence and biophysical properties (such as structural, functional, and spatial information, amino acid conservation, physicochemical variation, residue mobility, and thermodynamic stability) performed at Invitae indicates that this missense variant is not expected to disrupt SETX protein function with a negative predictive value of 95%. In summary, the available evidence is currently insufficient to determine the role of this variant in disease. Therefore, it has been classified as a Variant of Uncertain Significance.

PreventionGenetics, part of Exact Sciences
Classification: Uncertain significance for SETX-related condition. Last evaluated: 2023-11-29. Review status: no assertion criteria provided. Collection method: clinical testing. Allele origin: germline. Not counted in ClinVar's aggregate classification.
Comment: The SETX c.2123G>T variant is predicted to result in the amino acid substitution p.Ser708Ile. To our knowledge, this variant has not been reported in the literature or in a large population database, indicating this variant is rare. At this time, the clinical significance of this variant is uncertain due to the absence of conclusive functional and genetic evidence.

NM_015046.7(SETX):c.2123G>T (p.Ser708Ile)

Gene: SETX (senataxin; minus strand). Cytogenetic location: 9q34.13.
Variant type: single nucleotide variant.
Coding change: c.2123G>T on transcript NM_015046.7 (MANE Select); coding-DNA position 2123, G replaced by T.
Protein change: p.Ser708Ile; replaces serine 708 with isoleucine.
Molecular consequence: missense variant.
Genome position (GRCh38, 1-based): chr9:132,329,475, C>A on the plus strand (G>T on the coding strand, the complement: SETX is on the minus strand). VCF-style: chr9-132329475-C-A. GRCh37 (hg19) VCF-style: chr9-135204862-C-A.
Other names: c.2123G>T, p.Ser708Ile (NM_001351527.2, NM_001351528.2); short protein forms S708I.
Identifiers: ClinVar variation 536385 (VCV000536385.11), dbSNP rs1554821571, ClinGen allele CA375336918.